The following is an entry in ClinVar:

NM_000368.5(TSC1):c.495C>G (p.Cys165Trp)

Gene: TSC1 (TSC complex subunit 1; minus strand). Cytogenetic location: 9q34.13.
Variant type: single nucleotide variant.
Coding change: c.495C>G on transcript NM_000368.5 (MANE Select); coding-DNA position 495, C replaced by G.
Protein change: p.Cys165Trp; replaces cysteine 165 with tryptophan.
Molecular consequence: missense variant.
Genome position (GRCh38, 1-based): chr9:132,923,361, G>C on the plus strand (C>G on the coding strand, the complement: TSC1 is on the minus strand). VCF-style: chr9-132923361-G-C. GRCh37 (hg19) VCF-style: chr9-135798748-G-C.
Other names: c.495C>G, p.Cys165Trp (NM_001162426.2, NM_001406592.1, NM_001406593.1 and 16 more transcripts); c.342C>G, p.Cys114Trp (NM_001162427.2, NM_001406610.1, NM_001406611.1 and 2 more transcripts); c.132C>G, p.Cys44Trp (NM_001362177.2, NM_001406614.1, NM_001406615.1 and 10 more transcripts); c.-383C>G (NM_001406626.1, NM_001406627.1, NM_001406628.1); c.-525C>G (NM_001406629.1); c.-599C>G (NM_001406630.1); short protein forms C114W, C44W, C165W.
Identifiers: ClinVar variation 1947938 (VCV001947938.5), dbSNP rs118203388, ClinGen allele CA375373150.

ClinVar aggregate classification (germline): Uncertain significance (1 of 4 stars; one submission).

Conditions:
Tuberous sclerosis 1 (TSC1). Identifiers: Orphanet 805, MedGen C1854465, MONDO:0008612, OMIM 191100.

Submission:

Labcorp Genetics (formerly Invitae), Labcorp
Classification: Uncertain significance for Tuberous sclerosis 1. Last evaluated: 2022-07-29. Review status: criteria provided, single submitter. Criteria: Invitae Variant Classification Sherloc (09022015). Collection method: clinical testing. Allele origin: germline.
Comment: This sequence change replaces cysteine, which is neutral and slightly polar, with tryptophan, which is neutral and slightly polar, at codon 165 of the TSC1 protein (p.Cys165Trp). This variant is not present in population databases (gnomAD no frequency). This variant has not been reported in the literature in individuals affected with TSC1-related conditions. Algorithms developed to predict the effect of missense changes on protein structure and function are either unavailable or do not agree on the potential impact of this missense change (SIFT: "Deleterious"; PolyPhen-2: "Benign"; Align-GVGD: "Class C0"). In summary, the available evidence is currently insufficient to determine the role of this variant in disease. Therefore, it has been classified as a Variant of Uncertain Significance.